The following is an entry in ClinVar:

ClinVar aggregate classification (germline): Likely benign. Review status: criteria provided, multiple submitters, no conflicts (2 of 4 stars). 3 submissions from 3 submitters: Likely benign (3). Last evaluated 2025-09-04.

Conditions:
Immunodeficiency 14 (IMD14A). Also called: Activated PI3K Delta Syndrome Type 1 (APDS1); IMMUNODEFICIENCY 14A WITH LYMPHOPROLIFERATION, AUTOSOMAL DOMINANT; ACTIVATED PI3K-DELTA SYNDROME 1; p110-DELTA-ACTIVATING MUTATION CAUSING SENESCENT T CELLS, LYMPHADENOPATHY, AND IMMUNODEFICIENCY. Identifiers: Orphanet 397596, Orphanet 693661, MedGen C5907821, MONDO:0014222, OMIM 615513.

Allele frequency attached by ClinVar (database versions not stated): ExAC 0.00002; gnomAD exomes 0.00003 and 0.00004; TOPMed 0.00003; gnomAD 0.00005.
gnomAD v4.1: 51 of 1,614,034 alleles (0.0032%); highest among the groups gnomAD compares: African/African-American, 0.019%; no homozygotes.

Submissions (3):

Labcorp Genetics (formerly Invitae), Labcorp
Classification: Likely benign for Activated PI3K-delta syndrome. Last evaluated: 2025-09-04. Review status: criteria provided, single submitter. Criteria: Invitae Variant Classification Sherloc (09022015). Collection method: clinical testing. Allele origin: germline.

CeGaT Center for Human Genetics Tuebingen
Classification: Likely benign. Last evaluated: 2024-08-01. Review status: criteria provided, single submitter. Criteria: CeGaT Center For Human Genetics Tuebingen Variant Classification Criteria Version 2. Collection method: clinical testing. Allele origin: germline. Affected: yes. Observed: 1 variant allele.
Comment: PIK3CD: BP4, BP7

Blueprint Genetics
Classification: Likely benign. Last evaluated: 2023-12-08. Review status: criteria provided, single submitter. Criteria: ACMG Guidelines, 2015. Collection method: clinical testing. Allele origin: germline.

NM_005026.5(PIK3CD):c.2781C>T (p.Arg927=)

Gene: PIK3CD (phosphatidylinositol-4,5-bisphosphate 3-kinase catalytic subunit delta; plus strand). Cytogenetic location: 1p36.22.
Variant type: single nucleotide variant.
Coding change: c.2781C>T on transcript NM_005026.5 (MANE Select); coding-DNA position 2781, C replaced by T.
Protein change: p.Arg927=; no amino-acid change (arginine 927 retained).
Molecular consequence: synonymous variant.
Genome position (GRCh38, 1-based): chr1:9,724,338, C>T. VCF-style: chr1-9724338-C-T. GRCh37 (hg19) VCF-style: chr1-9784396-C-T.
Other names: c.2778C>T, p.Arg926= (NM_001350234.2); c.2694C>T, p.Arg898= (NM_001350235.1).
Identifiers: ClinVar variation 1475463 (VCV001475463.25), dbSNP rs772251920, ClinGen allele CA577627.